The following is an entry in ClinVar:

ClinVar aggregate classification (germline): Benign (1 of 4 stars; one submission).

Conditions:
PI4KB-related disorder. Also called: PI4KB-related condition.

gnomAD v4.1: 410 of 1,613,952 alleles (0.025%); highest among the groups gnomAD compares: South Asian, 0.41%; 3 homozygotes.

Submission:

PreventionGenetics, part of Exact Sciences
Classification: Benign for PI4KB-related condition. Last evaluated: 2025-01-04. Review status: criteria provided, single submitter. Criteria: ACMG Guidelines, 2015. Collection method: clinical testing. Allele origin: germline.
Comment: This variant is classified as benign based on ACMG/AMP sequence variant interpretation guidelines (Richards et al. 2015 PMID: 25741868, with internal and published modifications).

NM_001369623.2(PI4KB):c.779C>G (p.Ala260Gly)

Gene: PI4KB (phosphatidylinositol 4-kinase beta; minus strand). Cytogenetic location: 1q21.3.
Variant type: single nucleotide variant.
Coding change: c.779C>G on transcript NM_001369623.2 (MANE Select); coding-DNA position 779, C replaced by G.
Protein change: p.Ala260Gly; replaces alanine 260 with glycine.
Molecular consequence: missense variant. On other transcripts: intron variant (1).
Genome position (GRCh38, 1-based): chr1:151,315,703, G>C on the plus strand (C>G on the coding strand, the complement: PI4KB is on the minus strand). VCF-style: chr1-151315703-G-C. GRCh37 (hg19) VCF-style: chr1-151288179-G-C.
Other names: c.779C>G, p.Ala260Gly (NM_001198773.3, NM_001198774.2, NM_001330721.2 and 3 more transcripts); c.815C>G, p.Ala272Gly (NM_001369625.1, NM_001369628.1, NM_002651.4); c.-42-7902C>G (NM_001198775.3); short protein forms A260G, A272G.
Identifiers: ClinVar variation 4983303 (VCV004983303.1).